The following is an entry in ClinVar:

ClinVar aggregate classification (germline): Likely pathogenic (1 of 4 stars; one submission).

Submission:

Labcorp Genetics (formerly Invitae), Labcorp
Classification: Likely pathogenic. Last evaluated: 2024-05-29. Review status: criteria provided, single submitter. Criteria: Invitae Variant Classification Sherloc (09022015). Collection method: clinical testing. Allele origin: germline.
Comment: This sequence change affects a donor splice site in intron 9 of the IDH3A gene. It is expected to disrupt RNA splicing. Variants that disrupt the donor or acceptor splice site typically lead to a loss of protein function (PMID: 16199547), and loss-of-function variants in IDH3A are known to be pathogenic (PMID: 28412069). This variant is not present in population databases (gnomAD no frequency). This variant has not been reported in the literature in individuals affected with IDH3A-related conditions. Algorithms developed to predict the effect of sequence changes on RNA splicing suggest that this variant may disrupt the consensus splice site. In summary, the currently available evidence indicates that the variant is pathogenic, but additional data are needed to prove that conclusively. Therefore, this variant has been classified as Likely Pathogenic.

Literature cited by the submitters: PubMed 16199547; PubMed 28412069.

NM_005530.3(IDH3A):c.864+1G>C

Gene: IDH3A (isocitrate dehydrogenase (NAD(+)) 3 catalytic subunit alpha; plus strand). Cytogenetic location: 15q25.1.
Variant type: single nucleotide variant.
Coding change: c.864+1G>C on transcript NM_005530.3 (MANE Select); the canonical splice donor site of the intron after coding-DNA position 864, G replaced by C.
Molecular consequence: splice donor variant.
Genome position (GRCh38, 1-based): chr15:78,165,077, G>C. VCF-style: chr15-78165077-G-C. GRCh37 (hg19) VCF-style: chr15-78457419-G-C.
Identifiers: ClinVar variation 3654994 (VCV003654994.2).